The following is an entry in ClinVar:

ClinVar aggregate classification (germline): Uncertain significance (1 of 4 stars; one submission).

gnomAD v4.1: 20 of 1,613,884 alleles (0.0012%); highest among the groups gnomAD compares: African/African-American, 0.004%; no homozygotes.

Submission:

Mayo Clinic Laboratories, Mayo Clinic
Classification: Uncertain significance. Last evaluated: 2025-01-14. Review status: criteria provided, single submitter. Criteria: ACMG Guidelines, 2015. Collection method: clinical testing. Allele origin: germline. Observed: 1 variant allele.
Comment: PM2_supporting

NM_002204.4(ITGA3):c.2502G>A (p.Thr834=)

Gene: ITGA3 (integrin subunit alpha 3; plus strand). Cytogenetic location: 17q21.33.
Variant type: single nucleotide variant.
Coding change: c.2502G>A on transcript NM_002204.4 (MANE Select); coding-DNA position 2502, G replaced by A.
Protein change: p.Thr834=; no amino-acid change (threonine 834 retained).
Molecular consequence: synonymous variant.
Genome position (GRCh38, 1-based): chr17:50,079,177, G>A. VCF-style: chr17-50079177-G-A. GRCh37 (hg19) VCF-style: chr17-48156541-G-A.
Other names: p.Thr834=.
Identifiers: ClinVar variation 4542191 (VCV004542191.1).
Genomic context (GRCh38, chr17:50,079,177, plus strand): 5'-GGTCCTAGGTCTGGAGTGGCCCTACGAAGTCAGCAATGGCAAGTGGCTGCTGTATCCCAC[G>A]GAGATCACCGTCCATGGCAATGGGTCCTGGCCCTGCCGACCACCTGGAGACCTTATCAAC-3'
Protein context (NP_002195.1, residues 824-844): VSNGKWLLYP[Thr834=]EITVHGNGSW